The following is an entry in ClinVar:

Single allele

Genes: LINC01957 (long intergenic non-protein coding RNA 1957; plus strand), LOC101927078 (uncharacterized LOC101927078; minus strand). Cytogenetic location: 5q22.3.
Variant type: Deletion.
Identifiers: ClinVar variation 156994 (VCV000156994.2).

ClinVar aggregate classification (germline): not provided (0 of 4 stars; one submission).

Conditions:
Preeclampsia. Identifiers: Orphanet 275555, MedGen C0032914, MONDO:0005081, HP:0100602.

Submission:

Institute of Molecular and Cell Biology, University of Tartu
No classification provided. Condition: Preeclampsia. Review status: no classification provided. Collection method: case-control. Allele origin: unknown. Affected: yes. Study: Kasak2014.
Comment: The study aimed to determine the contribution of copy number variants in the genetic etiology of normal and complicated pregnancies. The samples represented (i) maternal blood DNA drawn from healthy pregnant women during 1st or 2nd trimester and (ii) maternal and paternal blood DNA drawn at term pregnancy cases representing normal and complicated gestations (severe preeclampsia, PE; gestational diabetes, GD; small-for-gestational age newborn, SGA; large-for-gestational age newborn, LGA). We performed CNV calling based on genome-wide genotyping dataset (Illumina HumanOmniExpress-24-v1 BeadChip) by applying three algorithms, QuantiSNP, GADA (Genome Alteration Detection Algorithm) and CNstream in parallel. The acquired CNV calls were merged with HD-CNV (Hotspot Detector for Copy Number Variants) program and only the CNVs predicted by at least two programs, were considered in subsequent analysis.

Literature cited by the submitters: PubMed 25666259.